The following is an entry in ClinVar:

NM_003872.3(NRP2):c.1787A>G (p.Asp596Gly)

Gene: NRP2 (neuropilin 2; plus strand). Cytogenetic location: 2q33.3.
Variant type: single nucleotide variant.
Coding change: c.1787A>G on transcript NM_003872.3 (MANE Select); coding-DNA position 1787, A replaced by G.
Protein change: p.Asp596Gly; replaces aspartic acid 596 with glycine.
Molecular consequence: missense variant.
Genome position (GRCh38, 1-based): chr2:205,749,725, A>G. VCF-style: chr2-205749725-A-G. GRCh37 (hg19) VCF-style: chr2-206614449-A-G.
Other names: c.1787A>G, p.Asp596Gly (NM_018534.4, NM_201266.2, NM_201267.2 and 1 more transcripts); short protein forms D596G.
Identifiers: ClinVar variation 4978186 (VCV004978186.1).

ClinVar aggregate classification (germline): Uncertain significance (1 of 4 stars; one submission).

Conditions:
NRP2-related disorder. Also called: NRP2-related condition.

gnomAD v4.1: 26 of 1,613,344 alleles (0.0016%); highest among the groups gnomAD compares: Non-Finnish European, 0.0021%; no homozygotes.

Submission:

PreventionGenetics, part of Exact Sciences
Classification: Uncertain significance for NRP2-related condition. Last evaluated: 2026-02-03. Review status: criteria provided, single submitter. Criteria: ACMG Guidelines, 2015. Collection method: clinical testing. Allele origin: germline.
Comment: The NRP2 c.1787A>G variant is predicted to result in the amino acid substitution p.Asp596Gly. To our knowledge, this variant has not been reported in the literature. This variant is reported in 0.0039% of alleles in individuals of European (Non-Finnish) descent in gnomAD. At this time, the clinical significance of this variant is uncertain due to the absence of conclusive functional and genetic evidence.